The following is an entry in ClinVar:

NM_004260.4(RECQL4):c.3560A>G (p.Tyr1187Cys)

Gene: RECQL4 (RecQ like helicase 4; minus strand). Cytogenetic location: 8q24.3.
Variant type: single nucleotide variant.
Coding change: c.3560A>G on transcript NM_004260.4 (MANE Select); coding-DNA position 3560, A replaced by G.
Protein change: p.Tyr1187Cys; replaces tyrosine 1187 with cysteine.
Molecular consequence: missense variant.
Genome position (GRCh38, 1-based): chr8:144,511,498, T>C on the plus strand (A>G on the coding strand, the complement: RECQL4 is on the minus strand). VCF-style: chr8-144511498-T-C. GRCh37 (hg19) VCF-style: chr8-145736881-T-C.
Other names: short protein forms Y1187C.
Identifiers: ClinVar variation 661379 (VCV000661379.1), dbSNP rs1586787364, ClinGen allele CA372665833.

ClinVar aggregate classification (germline): Uncertain significance (1 of 4 stars; one submission).

Conditions:
Baller-Gerold syndrome (BGS). Also called: CRANIOSYNOSTOSIS WITH RADIAL DEFECTS. Identifiers: Orphanet 1225, MedGen C0265308, MONDO:0009039, OMIM 218600.

gnomAD v4.1: 1 of 1,612,574 alleles (0.000062%); highest among the groups gnomAD compares: Non-Finnish European, 0.000085%; no homozygotes.

Submission:

Labcorp Genetics (formerly Invitae), Labcorp
Classification: Uncertain significance for Baller-Gerold syndrome. Last evaluated: 2018-09-19. Review status: criteria provided, single submitter. Criteria: Invitae Variant Classification Sherloc (09022015). Collection method: clinical testing. Allele origin: germline.
Comment: This sequence change replaces tyrosine with cysteine at codon 1187 of the RECQL4 protein (p.Tyr1187Cys). The tyrosine residue is highly conserved and there is a large physicochemical difference between tyrosine and cysteine. This variant is not present in population databases (ExAC no frequency). This variant has not been reported in the literature in individuals with RECQL4-related disease. Algorithms developed to predict the effect of missense changes on protein structure and function are either unavailable or do not agree on the potential impact of this missense change (SIFT: "Deleterious"; PolyPhen-2: "Unavailable"; Align-GVGD: "Class C25"). In summary, the available evidence is currently insufficient to determine the role of this variant in disease. Therefore, it has been classified as a Variant of Uncertain Significance.